The following is an entry in ClinVar:

NM_001797.4(CDH11):c.1895-507A>G

Gene: CDH11 (cadherin 11; minus strand). Cytogenetic location: 16q21.
Variant type: single nucleotide variant.
Coding change: c.1895-507A>G on transcript NM_001797.4 (MANE Select); 507 bases into the intron before coding-DNA position 1895, A replaced by G.
Molecular consequence: intron variant.
Genome position (GRCh38, 1-based): chr16:64,948,606, T>C on the plus strand (A>G on the coding strand, the complement: CDH11 is on the minus strand). VCF-style: chr16-64948606-T-C. GRCh37 (hg19) VCF-style: chr16-64982509-T-C.
Other names: c.1517-507A>G (NM_001330576.2); c.2073+3A>G (NM_001308392.2).
Identifiers: ClinVar variation 2646588 (VCV002646588.24), dbSNP rs554550516, ClinGen allele CA8091928.
Genomic context (GRCh38, chr16:64,948,606, plus strand): 5'-CTAGCTTCTGCCAATGTCTGAGAAAGAGTATTGGTCCTATACTAACTTAATGGGAAGTCT[T>C]ACCGTAAGTGTGGTTGGACTCTCTGTAGCCACCACATAGAGGAAAGGAAGTTTTATAAAG-3'

ClinVar aggregate classification (germline): Likely benign (1 of 4 stars; one submission).

Allele frequency attached by ClinVar (database versions not stated): TOPMed below 0.00001; gnomAD 0.00009; gnomAD exomes 0.00014; 1000 Genomes Project 30x 0.00047; ExAC 0.00036; 1000 Genomes Project 0.00040.
gnomAD v4.1: 207 of 1,608,718 alleles (0.013%); highest among the groups gnomAD compares: South Asian, 0.22%; 2 homozygotes.

Submission:

CeGaT Center for Human Genetics Tuebingen
Classification: Likely benign. Last evaluated: 2022-10-01. Review status: criteria provided, single submitter. Criteria: CeGaT Center For Human Genetics Tuebingen Variant Classification Criteria Version 2. Collection method: clinical testing. Allele origin: germline. Affected: yes. Observed: 1 variant allele.
Comment: CDH11: BP4